The following is an entry in ClinVar:

ClinVar aggregate classification (germline): Uncertain significance (1 of 4 stars; one submission).

Conditions:
Hereditary cancer-predisposing syndrome. Also called: Tumor predisposition; Hereditary Cancer Syndrome; Hereditary neoplastic syndrome; Neoplastic Syndromes, Hereditary. Identifiers: Orphanet 140162, MedGen C0027672, MeSH D009386, MONDO:0015356.

Submission:

Ambry Genetics
Classification: Uncertain significance for Hereditary cancer-predisposing syndrome. Last evaluated: 2024-04-12. Review status: criteria provided, single submitter. Criteria: Ambry Variant Classification Scheme 2023. Collection method: clinical testing. Allele origin: germline.
Comment: The p.S315T variant (also known as c.943T>A), located in coding exon 4 of the MSH6 gene, results from a T to A substitution at nucleotide position 943. The serine at codon 315 is replaced by threonine, an amino acid with similar properties. This amino acid position is conserved. In addition, this alteration is predicted to be tolerated by in silico analysis. Based on the available evidence, the clinical significance of this variant remains unclear.

NM_000179.3(MSH6):c.943T>A (p.Ser315Thr)

Gene: MSH6 (mutS homolog 6; plus strand). Cytogenetic location: 2p16.3.
Variant type: single nucleotide variant.
Coding change: c.943T>A on transcript NM_000179.3 (MANE Select); coding-DNA position 943, T replaced by A.
Protein change: p.Ser315Thr; replaces serine 315 with threonine.
Molecular consequence: missense variant. On other transcripts: non-coding transcript variant (4), intron variant (1).
Genome position (GRCh38, 1-based): chr2:47,798,926, T>A. VCF-style: chr2-47798926-T-A. GRCh37 (hg19) VCF-style: chr2-48026065-T-A.
Other names: c.553T>A, p.Ser185Thr (NM_001281492.2); c.37T>A, p.Ser13Thr (NM_001281493.2, NM_001281494.2, NM_001406811.1 and 6 more transcripts); c.1039T>A, p.Ser347Thr (NM_001406795.1, NM_001406802.1); c.943T>A, p.Ser315Thr (NM_001406796.1, NM_001406798.1, NM_001406800.1 and 4 more transcripts); c.646T>A, p.Ser216Thr (NM_001406797.1, NM_001406801.1, NM_001406805.1 and 10 more transcripts); c.418T>A, p.Ser140Thr (NM_001406799.1, NM_001406806.1, NM_001406807.1); c.865T>A, p.Ser289Thr (NM_001406804.1); c.949T>A, p.Ser317Thr (NM_001406813.1); and 2 more; short protein forms S13T, S140T, S347T, S185T, S216T, S259T, S317T, S289T.
Identifiers: ClinVar variation 3296377 (VCV003296377.1).